The following is an entry in ClinVar:

ClinVar aggregate classification (germline): Conflicting classifications of pathogenicity. Review status: criteria provided, conflicting classifications (1 of 4 stars). 2 submissions from 2 submitters: Uncertain significance (1); Likely benign (1). Last evaluated 2026-02-03.

Conditions:
MC3R-related disorder. Also called: MC3R-related condition.

gnomAD v4.1: 4 of 1,614,184 alleles (0.00025%); highest among the groups gnomAD compares: Non-Finnish European, 0.00034%; no homozygotes.

Submissions (2):

PreventionGenetics, part of Exact Sciences
Classification: Likely benign for MC3R-related condition. Last evaluated: 2026-02-03. Review status: criteria provided, single submitter. Criteria: ACMG Guidelines, 2015. Collection method: clinical testing. Allele origin: germline.
Comment: This variant is classified as likely benign based on ACMG/AMP sequence variant interpretation guidelines (Richards et al. 2015 PMID: 25741868, with internal and published modifications).

Labcorp Genetics (formerly Invitae), Labcorp
Classification: Uncertain significance. Last evaluated: 2025-01-13. Review status: criteria provided, single submitter. Criteria: Invitae Variant Classification Sherloc (09022015). Collection method: clinical testing. Allele origin: germline.
Comment: This sequence change affects codon 142 of the MC3R mRNA. It is a 'silent' change, meaning that it does not change the encoded amino acid sequence of the MC3R protein. This variant is present in population databases (no rsID available, gnomAD 0.007%). This variant has not been reported in the literature in individuals affected with MC3R-related conditions. In summary, the available evidence is currently insufficient to determine the role of this variant in disease. Therefore, it has been classified as a Variant of Uncertain Significance.

NM_019888.3(MC3R):c.426G>A (p.Arg142=)

Gene: MC3R (melanocortin 3 receptor; plus strand). Cytogenetic location: 20q13.2.
Variant type: single nucleotide variant.
Coding change: c.426G>A on transcript NM_019888.3 (MANE Select); coding-DNA position 426, G replaced by A.
Protein change: p.Arg142=; no amino-acid change (arginine 142 retained).
Molecular consequence: synonymous variant.
Genome position (GRCh38, 1-based): chr20:56,249,269, G>A. VCF-style: chr20-56249269-G-A. GRCh37 (hg19) VCF-style: chr20-54824325-G-A.
Identifiers: ClinVar variation 3617056 (VCV003617056.3).